The following is an entry in ClinVar:

NM_024596.5(MCPH1):c.483dup (p.Tyr162fs)

Gene: MCPH1 (microcephalin 1; plus strand). Cytogenetic location: 8p23.1.
Variant type: Duplication.
Coding change: c.483dup on transcript NM_024596.5 (MANE Select); coding-DNA position 483, one base duplicated (A; older notation c.483dupA).
Protein change: p.Tyr162fs; shifts the reading frame from tyrosine 162.
Molecular consequence: frameshift variant. On other transcripts: non-coding transcript variant (1), intron variant (1).
Genome position (GRCh38, 1-based): chr8:6,438,999, A duplicated. VCF-style (leftmost placement, unchanged base first): chr8-6438998-T-TA. GRCh37 (hg19) VCF-style: chr8-6296519-T-TA.
Other names: c.483dup, p.Tyr162fs (NM_001172574.2, NM_001322042.2, NM_001363979.1 and 3 more transcripts); c.477dup, p.Tyr160fs (NM_001322043.2); c.381dup, p.Tyr128fs (NM_001322045.2); c.436+2837dup (NM_001172575.2); short protein forms Y128fs, Y160fs, Y162fs.
Identifiers: ClinVar variation 4846848 (VCV004846848.1).

ClinVar aggregate classification (germline): Likely pathogenic (1 of 4 stars; one submission).

Conditions:
Microcephaly 1, primary, autosomal recessive (MCPH1). Also called: PREMATURE CHROMOSOME CONDENSATION SYNDROME; PCC SYNDROME; PREMATURE CHROMOSOME CONDENSATION WITH MICROCEPHALY AND MENTAL RETARDATION. Identifiers: Orphanet 2512, MedGen C1855081, MONDO:0009617, OMIM 251200.

Submission:

Laboratorio de Genetica e Diagnostico Molecular, Hospital Israelita Albert Einstein
Classification: Likely pathogenic for Microcephaly 1, primary, autosomal recessive. Last evaluated: 2022-06-21. Review status: criteria provided, single submitter. Criteria: ACMG Guidelines, 2015. Collection method: clinical testing. Allele origin: germline. Affected: yes.
Comment: ACMG classification criteria: PVS1 very strong, PM2 moderate